The following is an entry in ClinVar:

NM_002439.5(MSH3):c.2504del (p.Phe835fs)

Gene: MSH3 (mutS homolog 3; plus strand). Cytogenetic location: 5q14.1.
Variant type: Deletion.
Coding change: c.2504del on transcript NM_002439.5 (MANE Select); coding-DNA position 2504, one base deleted (T; older notation c.2504delT).
Protein change: p.Phe835fs; shifts the reading frame from phenylalanine 835.
Molecular consequence: frameshift variant.
Genome position (GRCh38, 1-based): chr5:80,787,633, T deleted; the last of 4 consecutive T bases (chr5:80,787,630-80,787,633); deleting any one gives the same sequence. VCF-style (leftmost placement, unchanged base first): chr5-80787629-AT-A. GRCh37 (hg19) VCF-style: chr5-80083448-AT-A.
Other names: short protein forms F835fs.
Identifiers: ClinVar variation 939859 (VCV000939859.7), dbSNP rs1744532526, ClinGen allele CA1139658931.

ClinVar aggregate classification (germline): Pathogenic (1 of 4 stars; one submission).

Submission:

Labcorp Genetics (formerly Invitae), Labcorp
Classification: Pathogenic. Last evaluated: 2019-09-13. Review status: criteria provided, single submitter. Criteria: Invitae Variant Classification Sherloc (09022015). Collection method: clinical testing. Allele origin: germline.
Comment: For these reasons, this variant has been classified as Pathogenic. Loss-of-function variants in MSH3 are known to be pathogenic (PMID: 27476653). This variant has not been reported in the literature in individuals with MSH3-related conditions. This variant is not present in population databases (ExAC no frequency). This sequence change creates a premature translational stop signal (p.Phe835Serfs*24) in the MSH3 gene. It is expected to result in an absent or disrupted protein product.

Literature cited by the submitters: PubMed 27476653.